The following is an entry in ClinVar:

ClinVar aggregate classification (germline): Likely pathogenic (1 of 4 stars; one submission).

Conditions:
Long QT syndrome (LQTS). Identifiers: MedGen C0023976, MeSH D008133, MONDO:0002442. Disease mechanism: loss of function. Inheritance: Various modes of inheritance.

Submission:

Labcorp Genetics (formerly Invitae), Labcorp
Classification: Likely pathogenic for Long QT syndrome. Last evaluated: 2023-08-11. Review status: criteria provided, single submitter. Criteria: Invitae Variant Classification Sherloc (09022015). Collection method: clinical testing. Allele origin: germline.
Comment: In summary, the currently available evidence indicates that the variant is pathogenic, but additional data are needed to prove that conclusively. Therefore, this variant has been classified as Likely Pathogenic. Algorithms developed to predict the effect of sequence changes on RNA splicing suggest that this variant may disrupt the consensus splice site. This variant has not been reported in the literature in individuals affected with KCNH2-related conditions. This variant is not present in population databases (gnomAD no frequency). This sequence change affects an acceptor splice site in intron 13 of the KCNH2 gene. It is expected to disrupt RNA splicing. Variants that disrupt the donor or acceptor splice site typically lead to a loss of protein function (PMID: 16199547), and loss-of-function variants in KCNH2 are known to be pathogenic (PMID: 10973849, 19862833).

Literature cited by the submitters: PubMed 16199547; PubMed 10973849; PubMed 19862833.

NM_000238.4(KCNH2):c.3153-1G>C

Gene: KCNH2 (potassium voltage-gated channel subfamily H member 2; minus strand). Cytogenetic location: 7q36.1.
Variant type: single nucleotide variant.
Coding change: c.3153-1G>C on transcript NM_000238.4 (MANE Select); the canonical splice acceptor site of the intron before coding-DNA position 3153, G replaced by C.
Molecular consequence: splice acceptor variant.
Genome position (GRCh38, 1-based): chr7:150,947,055, C>G on the plus strand (G>C on the coding strand, the complement: KCNH2 is on the minus strand). VCF-style: chr7-150947055-C-G. GRCh37 (hg19) VCF-style: chr7-150644143-C-G.
Other names: c.2865-1G>C (NM_001406753.1); c.2133-1G>C (NM_172057.3).
Identifiers: ClinVar variation 2744101 (VCV002744101.3), dbSNP rs2486001553, ClinGen allele CA369852418.